The following is an entry in ClinVar:

ClinVar aggregate classification (germline): Uncertain significance. Review status: criteria provided, multiple submitters, no conflicts (2 of 4 stars). 2 submissions from 2 submitters: Uncertain significance (2). Last evaluated 2025-10-08.

Conditions:
FSCN2-related disorder. Also called: FSCN2-related condition.

Allele frequency attached by ClinVar (database versions not stated): gnomAD exomes 0.00001 and 0.00003; TOPMed 0.00001; gnomAD 0.00001.

Submissions (2):

PreventionGenetics, part of Exact Sciences
Classification: Uncertain significance for FSCN2-related condition. Last evaluated: 2025-10-08. Review status: criteria provided, single submitter. Criteria: ACMG Guidelines, 2015. Collection method: clinical testing. Allele origin: germline.
Comment: The FSCN2 c.475G>A variant is predicted to result in the amino acid substitution p.Asp159Asn. To our knowledge, this variant has not been reported in the literature. This variant is reported in 0.0022% of alleles in individuals of European (Non-Finnish) descent in gnomAD. At this time, the clinical significance of this variant is uncertain due to the absence of conclusive functional and genetic evidence.

Labcorp Genetics (formerly Invitae), Labcorp
Classification: Uncertain significance. Last evaluated: 2025-02-28. Review status: criteria provided, single submitter. Criteria: Invitae Variant Classification Sherloc (09022015). Collection method: clinical testing. Allele origin: germline.
Comment: This sequence change replaces aspartic acid, which is acidic and polar, with asparagine, which is neutral and polar, at codon 159 of the FSCN2 protein (p.Asp159Asn). This variant is present in population databases (rs774046615, gnomAD 0.002%). This variant has not been reported in the literature in individuals affected with FSCN2-related conditions. ClinVar contains an entry for this variant (Variation ID: 1036687). An algorithm developed to predict the effect of missense changes on protein structure and function (PolyPhen-2) suggests that this variant is likely to be disruptive. In summary, the available evidence is currently insufficient to determine the role of this variant in disease. Therefore, it has been classified as a Variant of Uncertain Significance.

NM_012418.4(FSCN2):c.475G>A (p.Asp159Asn)

Gene: FSCN2 (fascin actin-bundling protein 2, retinal; plus strand). Cytogenetic location: 17q25.3.
Variant type: single nucleotide variant.
Coding change: c.475G>A on transcript NM_012418.4 (MANE Select); coding-DNA position 475, G replaced by A.
Protein change: p.Asp159Asn; replaces aspartic acid 159 with asparagine.
Molecular consequence: missense variant.
Genome position (GRCh38, 1-based): chr17:81,529,006, G>A. VCF-style: chr17-81529006-G-A. GRCh37 (hg19) VCF-style: chr17-79496032-G-A.
Other names: c.475G>A, p.Asp159Asn (NM_001077182.3); c.475G>A (NM_001077182.2); short protein forms D159N.
Identifiers: ClinVar variation 1036687 (VCV001036687.9), dbSNP rs774046615, ClinGen allele CA295078641.